The following is an entry in ClinVar:

ClinVar aggregate classification (germline): Uncertain significance. Review status: criteria provided, multiple submitters, no conflicts (2 of 4 stars). 2 submissions from 2 submitters: Uncertain significance (2). Last evaluated 2023-04-01.

Conditions:
Congenital disorder of glycosylation, type Ii. Also called: CDG Ii; ALG2-CDG; ALG2-congenital disorder of glycosylation. Identifiers: Orphanet 79326, MedGen C1842836, MONDO:0011933, OMIM 607906.
Congenital myasthenic syndrome 14. Also called: Myasthenic syndrome, congenital, 14, with tubular aggregates. Identifiers: Orphanet 353327, Orphanet 590, MedGen C4015597, MONDO:0014543, OMIM 616228.

Allele frequency attached by ClinVar (database versions not stated): TOPMed 0.00001.
gnomAD v4.1: 7 of 1,594,178 alleles (0.00044%); highest among the groups gnomAD compares: Non-Finnish European, 0.00059%; no homozygotes.

Submissions (2):

CeGaT Center for Human Genetics Tuebingen
Classification: Uncertain significance. Last evaluated: 2023-04-01. Review status: criteria provided, single submitter. Criteria: CeGaT Center For Human Genetics Tuebingen Variant Classification Criteria Version 2. Collection method: clinical testing. Allele origin: germline. Affected: yes. Observed: 1 variant allele.
Comment: ALG2: PM2, BP4

Labcorp Genetics (formerly Invitae), Labcorp
Classification: Uncertain significance for Congenital disorder of glycosylation, type Ii; Congenital myasthenic syndrome 14. Last evaluated: 2017-05-27. Review status: criteria provided, single submitter. Criteria: Invitae Variant Classification Sherloc (09022015). Collection method: clinical testing. Allele origin: germline.
Comment: This sequence change replaces proline with glutamine at codon 15 of the ALG2 protein (p.Pro15Gln). The proline residue is moderately conserved and there is a moderate physicochemical difference between proline and glutamine. This variant is not present in population databases (ExAC no frequency). This variant has not been reported in the literature in individuals with a ALG2-related disease. Algorithms developed to predict the effect of missense changes on protein structure and function (SIFT, PolyPhen-2, Align-GVGD) all suggest that this variant is likely to be tolerated, but these predictions have not been confirmed by published functional studies and their clinical significance is uncertain. Algorithms developed to predict the effect of sequence changes on RNA splicing suggest that this variant may create or strengthen a splice site, but this prediction has not been confirmed by published transcriptional studies. In summary, this variant has uncertain impact on ALG2 function. The available evidence is currently insufficient to determine its role in disease. Therefore, it has been classified as a Variant of Uncertain Significance.

NM_033087.4(ALG2):c.44C>A (p.Pro15Gln)

Gene: ALG2 (ALG2 alpha-1,3/1,6-mannosyltransferase; minus strand). Cytogenetic location: 9q22.33.
Variant type: single nucleotide variant.
Coding change: c.44C>A on transcript NM_033087.4 (MANE Select); coding-DNA position 44, C replaced by A.
Protein change: p.Pro15Gln; replaces proline 15 with glutamine.
Molecular consequence: missense variant. On other transcripts: non-coding transcript variant (1).
Genome position (GRCh38, 1-based): chr9:99,221,851, G>T on the plus strand (C>A on the coding strand, the complement: ALG2 is on the minus strand). VCF-style: chr9-99221851-G-T. GRCh37 (hg19) VCF-style: chr9-101984133-G-T.
Other names: short protein forms P15Q.
Identifiers: ClinVar variation 464897 (VCV000464897.34), dbSNP rs757920586, ClinGen allele CA374232955.